The following is an entry in ClinVar:

NM_000531.6(OTC):c.275G>T (p.Arg92Leu)

Gene: OTC (ornithine transcarbamylase; plus strand). Cytogenetic location: Xp11.4.
Variant type: single nucleotide variant.
Coding change: c.275G>T on transcript NM_000531.6 (MANE Select); coding-DNA position 275, G replaced by T.
Protein change: p.Arg92Leu; replaces arginine 92 with leucine.
Molecular consequence: missense variant.
Genome position (GRCh38, 1-based): chrX:38,369,854, G>T. VCF-style: chrX-38369854-G-T. GRCh37 (hg19) VCF-style: chrX-38229107-G-T.
Other names: short protein forms R92L.
Identifiers: ClinVar variation 97154 (VCV000097154.2), dbSNP rs66550389, ClinGen allele CA224534.

ClinVar aggregate classification (germline): Pathogenic (0 of 4 stars; one submission).

Submission:

GenMed Metabolism Lab
Classification: Pathogenic. Review status: no assertion criteria provided. Collection method: not provided. Allele origin: unknown.
Comment: p.Arg92Leu, Neonatal, CpG dinucleotide
ClinVar note: Converted during submission from pathogenic to Pathogenic.